The following is an entry in ClinVar:

ClinVar aggregate classification (germline): Uncertain significance (1 of 4 stars; one submission).

Conditions:
Genitopatellar syndrome (GTPTS). Also called: Genitopatellar syndrome (GPS); ABSENT PATELLAE, SCROTAL HYPOPLASIA, RENAL ANOMALIES, FACIAL DYSMORPHISM, AND MENTAL RETARDATION. Identifiers: Orphanet 85201, MedGen C1853566, MONDO:0011640, OMIM 606170.

gnomAD v4.1: 1 of 1,614,186 alleles (0.000062%); highest among the groups gnomAD compares: Non-Finnish European, 0.000085%; no homozygotes.

Submission:

Labcorp Genetics (formerly Invitae), Labcorp
Classification: Uncertain significance for Genitopatellar syndrome. Last evaluated: 2025-06-20. Review status: criteria provided, single submitter. Criteria: Invitae Variant Classification Sherloc (09022015). Collection method: clinical testing. Allele origin: germline.
Comment: This sequence change replaces aspartic acid, which is acidic and polar, with histidine, which is basic and polar, at codon 983 of the KAT6B protein (p.Asp983His). This variant is not present in population databases (gnomAD no frequency). This variant has not been reported in the literature in individuals affected with KAT6B-related conditions. Invitae Evidence Modeling of protein sequence and biophysical properties (such as structural, functional, and spatial information, amino acid conservation, physicochemical variation, residue mobility, and thermodynamic stability) indicates that this missense variant is expected to disrupt KAT6B protein function with a positive predictive value of 80%. In summary, the available evidence is currently insufficient to determine the role of this variant in disease. Therefore, it has been classified as a Variant of Uncertain Significance.

NM_012330.4(KAT6B):c.2947G>C (p.Asp983His)

Gene: KAT6B (lysine acetyltransferase 6B; plus strand). Cytogenetic location: 10q22.2.
Variant type: single nucleotide variant.
Coding change: c.2947G>C on transcript NM_012330.4 (MANE Select); coding-DNA position 2947, G replaced by C.
Protein change: p.Asp983His; replaces aspartic acid 983 with histidine.
Molecular consequence: missense variant.
Genome position (GRCh38, 1-based): chr10:75,021,211, G>C. VCF-style: chr10-75021211-G-C. GRCh37 (hg19) VCF-style: chr10-76780969-G-C.
Other names: c.2398G>C, p.Asp800His (NM_001256468.2, NM_001370138.1); c.2071G>C, p.Asp691His (NM_001256469.2, NM_001370139.1, NM_001370140.1 and 2 more transcripts); c.1909G>C, p.Asp637His (NM_001370132.1); c.1882G>C, p.Asp628His (NM_001370143.1, NM_001370144.1); c.1258G>C, p.Asp420His (NM_001370133.1); c.862G>C, p.Asp288His (NM_001370134.1); c.604G>C, p.Asp202His (NM_001370135.1); c.2947G>C, p.Asp983His (NM_001370136.1, NM_001370137.1); short protein forms D202H, D983H, D420H, D628H, D637H, D691H, D288H, D800H.
Identifiers: ClinVar variation 4764965 (VCV004764965.1).